The following is an entry in ClinVar:

NM_001277313.2(FMN1):c.728C>T (p.Thr243Met)

Gene: FMN1 (formin 1; minus strand). Cytogenetic location: 15q13.3.
Variant type: single nucleotide variant.
Coding change: c.728C>T on transcript NM_001277313.2 (MANE Select); coding-DNA position 728, C replaced by T.
Protein change: p.Thr243Met; replaces threonine 243 with methionine.
Molecular consequence: missense variant.
Genome position (GRCh38, 1-based): chr15:33,154,187, G>A on the plus strand (C>T on the coding strand, the complement: FMN1 is on the minus strand). VCF-style: chr15-33154187-G-A. GRCh37 (hg19) VCF-style: chr15-33446388-G-A.
Other names: c.728C>T, p.Thr243Met (NM_001277314.2); c.728C>T (NM_001277313.1); short protein forms T243M.
Identifiers: ClinVar variation 1531811 (VCV001531811.10), dbSNP rs369774395, ClinGen allele CA7457573.
Genomic context (GRCh38, chr15:33,154,187, plus strand): 5'-CCAAGCCCAGTGTCCTTGAAAGCCGTCTCAAAGCTCCCAAAGCCAAGGTCTGTGTCTGGC[G>A]TCTTGGGAATATCTGGGGGGCAGCTCTCTCTCCTCTGCAGGGAGCAGGCAAGTGCCCCAT-3'
Protein context (NP_001264242.1, residues 233-253): RESCPPDIPK[Thr243Met]PDTDLGFGSF

ClinVar aggregate classification (germline): Benign. Review status: criteria provided, single submitter (1 of 4 stars). 2 submissions from 2 submitters: Benign (1). 1 of the submissions does not count toward it. Last evaluated 2021-01-13.

Conditions:
FMN1-related disorder. Also called: FMN1-related condition.

Allele frequency attached by ClinVar (database versions not stated): gnomAD exomes 0.00008 and 0.00041; gnomAD 0.00011 and 0.00012; ExAC 0.00014; TOPMed 0.00019; 1000 Genomes Project 30x 0.00094; 1000 Genomes Project 0.00160.
gnomAD v4.1: 153 of 1,536,392 alleles (0.01%); highest among the groups gnomAD compares: East Asian, 0.27%; no homozygotes.

Submissions (2):

Labcorp Genetics (formerly Invitae), Labcorp
Classification: Benign. Last evaluated: 2021-01-13. Review status: criteria provided, single submitter. Criteria: Invitae Variant Classification Sherloc (09022015). Collection method: clinical testing. Allele origin: germline.

PreventionGenetics, part of Exact Sciences
Classification: Likely benign for FMN1-related condition. Last evaluated: 2024-02-08. Review status: no assertion criteria provided. Collection method: clinical testing. Allele origin: germline. Not counted in ClinVar's aggregate classification.
Comment: This variant is classified as likely benign based on ACMG/AMP sequence variant interpretation guidelines (Richards et al. 2015 PMID: 25741868, with internal and published modifications).